The following is an entry in ClinVar:

ClinVar aggregate classification (germline): Benign/Likely benign. Review status: criteria provided, multiple submitters, no conflicts (2 of 4 stars). 6 submissions from 6 submitters: Benign (4); Likely benign (1). 1 of the submissions does not count toward it. Last evaluated 2026-01-25.

Conditions:
Long QT syndrome (LQTS). Identifiers: MedGen C0023976, MeSH D008133, MONDO:0002442. Disease mechanism: loss of function. Inheritance: Various modes of inheritance.
CACNA1C-related disorder. Also called: CACNA1C-related condition; CACNA1C-related disorders. Identifiers: MedGen CN381092, MONDO:0700321.

Allele frequency attached by ClinVar (database versions not stated): TOPMed 0.00010; 1000 Genomes Project 30x 0.00078; gnomAD exomes 0.00076 and 0.00180; gnomAD 0.00170 and 0.00175; ExAC 0.00203; 1000 Genomes Project 0.00080.
gnomAD v4.1: 1,349 of 1,588,314 alleles (0.085%); highest among the groups gnomAD compares: East Asian, 0.06%; 15 homozygotes.

Submissions (6):

Labcorp Genetics (formerly Invitae), Labcorp
Classification: Benign for Long QT syndrome. Last evaluated: 2026-01-25. Review status: criteria provided, single submitter. Criteria: Invitae Variant Classification Sherloc (09022015). Collection method: clinical testing. Allele origin: germline.

Blueprint Genetics
Classification: Likely benign. Last evaluated: 2024-11-19. Review status: criteria provided, single submitter. Criteria: ACMG Guidelines, 2015. Collection method: clinical testing. Allele origin: germline.

Women's Health and Genetics/Laboratory Corporation of America, LabCorp
Classification: Benign. Last evaluated: 2023-10-23. Review status: criteria provided, single submitter. Criteria: LabCorp Variant Classification Summary - May 2015. Collection method: clinical testing. Allele origin: germline.

ARUP Laboratories, Molecular Genetics and Genomics, ARUP Laboratories
Classification: Benign. Last evaluated: 2019-05-11. Review status: criteria provided, single submitter. Criteria: ARUP Molecular Germline Variant Investigation Process. Collection method: clinical testing. Allele origin: germline.

GeneDx
Classification: Benign. Last evaluated: 2015-03-03. Review status: criteria provided, single submitter. Criteria: GeneDx Variant Classification Process June 2021. Collection method: clinical testing. Allele origin: germline. Affected: yes.

PreventionGenetics, part of Exact Sciences
Classification: Likely benign for CACNA1C-related condition. Last evaluated: 2019-04-26. Review status: no assertion criteria provided. Collection method: clinical testing. Allele origin: germline. Not counted in ClinVar's aggregate classification.
Comment: This variant is classified as likely benign based on ACMG/AMP sequence variant interpretation guidelines (Richards et al. 2015 PMID: 25741868, with internal and published modifications).

NM_000719.7(CACNA1C):c.1669+10G>A

Gene: CACNA1C (calcium voltage-gated channel subunit alpha1 C; plus strand). Cytogenetic location: 12p13.33.
Variant type: single nucleotide variant.
Coding change: c.1669+10G>A on transcript NM_000719.7 (MANE Select); 10 bases into the intron after coding-DNA position 1669, G replaced by A.
Molecular consequence: intron variant.
Genome position (GRCh38, 1-based): chr12:2,566,592, G>A. VCF-style: chr12-2566592-G-A. GRCh37 (hg19) VCF-style: chr12-2675758-G-A.
Other names: c.1669+10G>A (NM_001167624.3, NM_001167623.2, NM_001167625.2 and 18 more transcripts); c.1660+10G>A (NM_001129844.2).
Identifiers: ClinVar variation 527033 (VCV000527033.24), dbSNP rs576194052, ClinGen allele CA6388830.
Genomic context (GRCh38, chr12:2,566,592, plus strand): 5'-CCATTGCCTCTGAGCACTACAACCAGCCCAACTGGCTCACAGAAGTCCAAGGTGAGCGGC[G>A]GCCCCAGCTCTGCTCTGGTTTCCTCCTGGTAACTCAGCCCCAAGGCCCAGGGGAGGGCAT-3'